The following is an entry in ClinVar:

ClinVar aggregate classification (germline): Uncertain significance (1 of 4 stars; one submission).

Submission:

GeneDx
Classification: Uncertain significance. Last evaluated: 2022-08-08. Review status: criteria provided, single submitter. Criteria: GeneDx Variant Classification Process June 2021. Collection method: clinical testing. Allele origin: germline. Affected: yes.
Comment: Not observed at significant frequency in large population cohorts (gnomAD); In silico analysis supports that this missense variant has a deleterious effect on protein structure/function; Has not been previously published as pathogenic or benign to our knowledge

NM_000489.6(ATRX):c.6941G>T (p.Gly2314Val)

Gene: ATRX (ATRX chromatin remodeler; minus strand). Cytogenetic location: Xq21.1.
Variant type: single nucleotide variant.
Coding change: c.6941G>T on transcript NM_000489.6 (MANE Select); coding-DNA position 6941, G replaced by T.
Protein change: p.Gly2314Val; replaces glycine 2314 with valine.
Molecular consequence: missense variant.
Genome position (GRCh38, 1-based): chrX:77,522,297, C>A on the plus strand (G>T on the coding strand, the complement: ATRX is on the minus strand). VCF-style: chrX-77522297-C-A. GRCh37 (hg19) VCF-style: chrX-76777775-C-A.
Other names: c.6827G>T, p.Gly2276Val (NM_138270.5); short protein forms G2276V, G2314V.
Identifiers: ClinVar variation 2429529 (VCV002429529.1), dbSNP rs2147748802, ClinGen allele CA413708529.